The following is an entry in ClinVar:

NM_000142.5(FGFR3):c.2279A>T (p.Tyr760Phe)

Gene: FGFR3 (fibroblast growth factor receptor 3; plus strand). Cytogenetic location: 4p16.3.
Variant type: single nucleotide variant.
Coding change: c.2279A>T on transcript NM_000142.5 (MANE Select); coding-DNA position 2279, A replaced by T.
Protein change: p.Tyr760Phe; replaces tyrosine 760 with phenylalanine.
Molecular consequence: missense variant. On other transcripts: synonymous variant (1), non-coding transcript variant (1).
Genome position (GRCh38, 1-based): chr4:1,807,120, A>T. VCF-style: chr4-1807120-A-T. GRCh37 (hg19) VCF-style: chr4-1808847-A-T.
Other names: c.2285A>T, p.Tyr762Phe (NM_001163213.2); c.2282A>T, p.Tyr761Phe (NM_001354809.2); c.2211A>T, p.Val737= (NM_001354810.2); c.1943A>T, p.Tyr648Phe (NM_022965.4); short protein forms Y648F, Y760F, Y761F, Y762F.
Identifiers: ClinVar variation 4857803 (VCV004857803.1).

ClinVar aggregate classification (germline): Uncertain significance (1 of 4 stars; one submission).

Conditions:
FGFR3-related chondrodysplasia. Identifiers: Orphanet 93420, MedGen C5681604, MONDO:0019685.

Submission:

Genomenon, Inc
Classification: Uncertain significance for FGFR3-related chondrodysplasia. Last evaluated: 2026-06-23. Review status: criteria provided, single submitter. Criteria: Genomenon Sequence Variant Interpretation Standards - Updated. Collection method: curation. Allele origin: germline. Affected: no.
Comment: FGFR3 p.Tyr760Phe (c.2279A>T) is a missense variant that changes the amino acid at codon 760 from Tyrosine to Phenylalanine. To our knowledge, this variant has not been reported in patients affected with an FGFR3-related disorder in the published literature. Functional studies have been reported (PMID:11294897;17561467;30782830). It is absent or not present at a significant frequency in gnomAD. In silico models predict that this variant is possibly or probably damaging. In conclusion, we classify FGFR3 p.Tyr760Phe (c.2279A>T) as a variant of uncertain significance.

Literature cited by the submitters: PubMed 37824212; PubMed 30782830; PubMed 15784730; PubMed 17561467; PubMed 19286672; PubMed 19749790; PubMed 11294897; PubMed 19103595.